The following is an entry in ClinVar:

ClinVar aggregate classification (germline): Benign. Review status: criteria provided, single submitter (1 of 4 stars). 2 submissions from 1 submitter: Benign (2). Last evaluated 2018-01-13.

Conditions:
Cerebral cavernous malformation (CCM). Also called: CAVERNOUS ANGIOMA, FAMILIAL; CAVERNOUS ANGIOMATOUS MALFORMATIONS; CEREBRAL CAPILLARY MALFORMATIONS; Cavernous Hemangioma of Brain; Cerebral cavernous hemangioma (type); Cerebral cavernous malformations. Identifiers: Orphanet 221061, MedGen C2919945, MONDO:0000820, OMIM 116860, HP:0033522.
Angiokeratoma corporis diffusum with arteriovenous fistulas. Identifiers: MedGen C1838141, MONDO:0010885, OMIM 600419.

Allele frequency attached by ClinVar (database versions not stated): 1000 Genomes Project 0.00080; 1000 Genomes Project 30x 0.00156; TOPMed 0.00251.
gnomAD v4.1: 481 of 234,302 alleles (0.21%); highest among the groups gnomAD compares: Middle Eastern, 0.63%; 1 homozygote.

Submissions (2):

Illumina Laboratory Services, Illumina
Classification: Benign for Cerebral cavernous malformation. Last evaluated: 2018-01-13. Review status: criteria provided, single submitter. Criteria: ICSL Variant Classification Criteria 13 December 2019. Collection method: clinical testing. Allele origin: germline.
Comment: This variant was observed in the ICSL laboratory as part of a predisposition screen in an ostensibly healthy population. It had not been previously curated by ICSL or reported in the Human Gene Mutation Database (HGMD: prior to June 1st, 2018), and was therefore a candidate for classification through an automated scoring system. Utilizing variant allele frequency, disease prevalence and penetrance estimates, and inheritance mode, an automated score was calculated to assess if this variant is too frequent to cause the disease. Based on the score and internal cut-off values, a variant classified as benign is not then subjected to further curation. The score for this variant resulted in a classification of benign for this disease.

Illumina Laboratory Services, Illumina
Classification: Benign for Angiokeratoma corporis diffusum with arteriovenous fistulas. Last evaluated: 2018-01-13. Review status: criteria provided, single submitter. Criteria: ICSL Variant Classification Criteria 13 December 2019. Collection method: clinical testing. Allele origin: germline.
Comment: the same text as in the submission from Illumina Laboratory Services, Illumina above.

NM_194454.3(KRIT1):c.-525G>T

Genes: KRIT1 (KRIT1 ankyrin repeat containing; minus strand), LOC113748416 (Sharpr-MPRA regulatory region 5961; plus strand). Cytogenetic location: 7q21.2.
Variant type: single nucleotide variant.
Coding change: c.-525G>T on transcript NM_194454.3 (MANE Select); 525 bases upstream of the start codon, G replaced by T.
Molecular consequence: 5 prime UTR variant. On other transcripts: intron variant (9).
Genome position (GRCh38, 1-based): chr7:92,245,894, C>A on the plus strand (G>T on the coding strand, the complement: KRIT1 is on the minus strand). VCF-style: chr7-92245894-C-A. GRCh37 (hg19) VCF-style: chr7-91875208-C-A.
Other names: c.-377G>T (NM_001013406.2, NM_001350690.1); c.-345G>T (NM_001350669.1); c.-525G>T (NM_001350670.1); c.-1285G>T (NM_001350671.1); c.-323G>T (NM_001350679.1); c.-738G>T (NM_001350681.1); c.-700G>T (NM_001350682.1); c.-357G>T (NM_001350683.1); and 24 more.
Identifiers: ClinVar variation 360901 (VCV000360901.5), dbSNP rs571563061, ClinGen allele CA10629603.